The following is an entry in ClinVar:

ClinVar aggregate classification (germline): Uncertain significance (1 of 4 stars; one submission).

Conditions:
Amyotrophic lateral sclerosis type 12 (ALS12). Also called: AMYOTROPHIC LATERAL SCLEROSIS 12 WITH OR WITHOUT FRONTOTEMPORAL DEMENTIA. Identifiers: Orphanet 803, MedGen C3150692, MONDO:0013264, OMIM 613435.
Glaucoma 1, open angle, E. Identifiers: MedGen C1842026, MONDO:0007665.
Primary open angle glaucoma (POAG). Also called: OPTN-related open angle glaucoma. Identifiers: MedGen C0339573, MONDO:0100553, OMIM 137760.

Allele frequency attached by ClinVar (database versions not stated): gnomAD exomes 0.00001.
gnomAD v4.1: 3 of 1,614,206 alleles (0.00019%); highest among the groups gnomAD compares: Middle Eastern, 0.016%; no homozygotes.

Submission:

Labcorp Genetics (formerly Invitae), Labcorp
Classification: Uncertain significance for Primary open angle glaucoma; Glaucoma 1, open angle, E; Amyotrophic lateral sclerosis type 12. Last evaluated: 2023-11-10. Review status: criteria provided, single submitter. Criteria: Invitae Variant Classification Sherloc (09022015). Collection method: clinical testing. Allele origin: germline.
Comment: This sequence change replaces lysine, which is basic and polar, with glutamic acid, which is acidic and polar, at codon 378 of the OPTN protein (p.Lys378Glu). This variant is not present in population databases (gnomAD no frequency). This variant has not been reported in the literature in individuals affected with OPTN-related conditions. Advanced modeling of protein sequence and biophysical properties (such as structural, functional, and spatial information, amino acid conservation, physicochemical variation, residue mobility, and thermodynamic stability) has been performed at Invitae for this missense variant, however the output from this modeling did not meet the statistical confidence thresholds required to predict the impact of this variant on OPTN protein function. In summary, the available evidence is currently insufficient to determine the role of this variant in disease. Therefore, it has been classified as a Variant of Uncertain Significance.

NM_001008212.2(OPTN):c.1132A>G (p.Lys378Glu)

Gene: OPTN (optineurin; plus strand). Cytogenetic location: 10p13.
Variant type: single nucleotide variant.
Coding change: c.1132A>G on transcript NM_001008212.2 (MANE Select); coding-DNA position 1132, A replaced by G.
Protein change: p.Lys378Glu; replaces lysine 378 with glutamic acid.
Molecular consequence: missense variant.
Genome position (GRCh38, 1-based): chr10:13,125,551, A>G. VCF-style: chr10-13125551-A-G. GRCh37 (hg19) VCF-style: chr10-13167551-A-G.
Other names: c.1132A>G, p.Lys378Glu (NM_001008211.1, NM_001008213.1, NM_021980.4); short protein forms K378E.
Identifiers: ClinVar variation 2953749 (VCV002953749.3), dbSNP rs2539067341, ClinGen allele CA376029498.